The following is an entry in ClinVar:

ClinVar aggregate classification (germline): Likely pathogenic (1 of 4 stars; one submission).

Conditions:
Duchenne muscular dystrophy (DMD). Also called: Duchenne Muscular Dystrophy (DMD); MUSCULAR DYSTROPHY, PSEUDOHYPERTROPHIC PROGRESSIVE, DUCHENNE TYPE. Identifiers: Orphanet 98896, MedGen C0013264, MONDO:0010679, OMIM 310200.

Submission:

Labcorp Genetics (formerly Invitae), Labcorp
Classification: Likely pathogenic for Duchenne muscular dystrophy. Last evaluated: 2023-08-27. Review status: criteria provided, single submitter. Criteria: Invitae Variant Classification Sherloc (09022015). Collection method: clinical testing. Allele origin: germline.
Comment: In summary, the currently available evidence indicates that the variant is pathogenic, but additional data are needed to prove that conclusively. Therefore, this variant has been classified as Likely Pathogenic. A similar copy number variant has been observed in individuals with Duchenne or Becker muscular dystrophy (PMID: 23453023, 32194622, 34679607). This variant results in a copy number gain of the genomic region encompassing exon(s) 31-44 of the DMD gene. While the exact position of this variant cannot be determined from the data, sub-genic copy number gains are generally in tandem (PMID: 25640679). This variant is predicted to be in-frame, and likely preserves the integrity of the reading frame.

Literature cited by the submitters: PubMed 23453023; PubMed 32194622; PubMed 34679607; PubMed 25640679.

NC_000023.10:g.(?_32235013)_(32408318_?)dup

Gene: DMD (dystrophin; minus strand). Cytogenetic location: Xp21.1.
Variant type: Duplication.
Identifiers: ClinVar variation 526162 (VCV000526162.8).